The following is an entry in ClinVar:

NM_000492.4(CFTR):c.4391T>C (p.Ile1464Thr)

Genes: CFTR (CF transmembrane conductance regulator; plus strand), LOC111674477 (CFTR intron 23 enhancer; plus strand). Cytogenetic location: 7q31.2.
Variant type: single nucleotide variant.
Coding change: c.4391T>C on transcript NM_000492.4 (MANE Select); coding-DNA position 4391, T replaced by C.
Protein change: p.Ile1464Thr; replaces isoleucine 1464 with threonine.
Molecular consequence: missense variant.
Genome position (GRCh38, 1-based): chr7:117,667,056, T>C. VCF-style: chr7-117667056-T-C. GRCh37 (hg19) VCF-style: chr7-117307110-T-C.
Other names: short protein forms I1464T.
Identifiers: ClinVar variation 1740235 (VCV001740235.2), dbSNP rs772046085, ClinGen allele CA4451702.

ClinVar aggregate classification (germline): Uncertain significance (1 of 4 stars; one submission).

Conditions:
Cystic fibrosis (CF). Also called: MUCOVISCIDOSIS. Identifiers: Orphanet 586, MedGen C0010674, MONDO:0009061, OMIM 219700. Disease mechanism: loss of function.

Allele frequency attached by ClinVar (database versions not stated): gnomAD exomes 0.00001; ExAC 0.00001.
gnomAD v4.1: 9 of 1,614,004 alleles (0.00056%); highest among the groups gnomAD compares: East Asian, 0.0022%; no homozygotes.

Submission:

Ambry Genetics
Classification: Uncertain significance for Cystic fibrosis. Last evaluated: 2022-03-08. Review status: criteria provided, single submitter. Criteria: Ambry Variant Classification Scheme 2023. Collection method: clinical testing. Allele origin: germline.
Comment: The p.I1464T variant (also known as c.4391T>C), located in coding exon 27 of the CFTR gene, results from a T to C substitution at nucleotide position 4391. The isoleucine at codon 1464 is replaced by threonine, an amino acid with similar properties. This amino acid position is highly conserved in available vertebrate species. In addition, this alteration is predicted to be deleterious by in silico analysis. Since supporting evidence is limited at this time, the clinical significance of this alteration remains unclear.